The following is an entry in ClinVar:

NM_000138.5(FBN1):c.6497-12G>C

Gene: FBN1 (fibrillin 1; minus strand). Cytogenetic location: 15q21.1.
Variant type: single nucleotide variant.
Coding change: c.6497-12G>C on transcript NM_000138.5 (MANE Select); 12 bases into the intron before coding-DNA position 6497, G replaced by C.
Molecular consequence: intron variant.
Genome position (GRCh38, 1-based): chr15:48,434,725, C>G on the plus strand (G>C on the coding strand, the complement: FBN1 is on the minus strand). VCF-style: chr15-48434725-C-G. GRCh37 (hg19) VCF-style: chr15-48726922-C-G.
Identifiers: ClinVar variation 387944 (VCV000387944.9), dbSNP rs369726558, ClinGen allele CA056890.
Genomic context (GRCh38, chr15:48,434,725, plus strand): 5'-TTGCAGGTTCCATTTCCACAAGGATTGCCAACAGAACATTCATCAGTATCTGCAAGAAAC[C>G]AGGAATGTGTCCAAAACATGATGAATTGAGATAATACCTTTTATTCTATCAGAGGATTTT-3'

ClinVar aggregate classification (germline): Likely benign. Review status: criteria provided, multiple submitters, no conflicts (2 of 4 stars). 5 submissions from 5 submitters: Likely benign (5). Last evaluated 2025-06-15.

Conditions:
Marfan syndrome (MFS). Also called: Marfan syndrome, classic; Marfan syndrome type 1; Marfan's syndrome; MARFAN SYNDROME, TYPE I; FBN1-Related Marfan Syndrome. Identifiers: Orphanet 284963, Orphanet 558, MedGen C0024796, MONDO:0007947, OMIM 154700.
Familial thoracic aortic aneurysm and aortic dissection (TAAD). Also called: Thoracic aortic aneurysms and dissections. Identifiers: Orphanet 91387, MedGen C4707243, MONDO:0019625.

Allele frequency attached by ClinVar (database versions not stated): TOPMed 0.00001; gnomAD exomes 0.00002 and 0.00001; gnomAD 0.00001; ExAC 0.00002; ESP Exome Variant Server 0.00015.
gnomAD v4.1: 17 of 1,612,956 alleles (0.0011%); highest among the groups gnomAD compares: African/African-American, 0.0013%; no homozygotes.

Submissions (5):

Labcorp Genetics (formerly Invitae), Labcorp
Classification: Likely benign for Marfan syndrome; Familial thoracic aortic aneurysm and aortic dissection. Last evaluated: 2025-06-15. Review status: criteria provided, single submitter. Criteria: Invitae Variant Classification Sherloc (09022015). Collection method: clinical testing. Allele origin: germline.

All of Us Research Program, National Institutes of Health
Classification: Likely benign for Marfan syndrome. Last evaluated: 2023-06-26. Review status: criteria provided, single submitter. Criteria: ACMG Guidelines, 2015. Collection method: clinical testing. Allele origin: germline. Inheritance: Autosomal dominant inheritance. Observed: 2 variant alleles, 2 heterozygotes.
Comment: This study involves interpretation of variants in research participants for the purpose of population health screening. Participant phenotype was not available at the time of variant classification. Additional details can be found in publication PMID: 35346344, PMCID: PMC8962531

Women's Health and Genetics/Laboratory Corporation of America, LabCorp
Classification: Likely benign. Last evaluated: 2020-12-28. Review status: criteria provided, single submitter. Criteria: LabCorp Variant Classification Summary - May 2015. Collection method: clinical testing. Allele origin: germline.
Comment: Variant summary: FBN1 c.6497-12G>C alters a non-conserved nucleotide located close to a canonical splice site and therefore could affect mRNA splicing, leading to a significantly altered protein sequence. 4/4 computational tools predict no significant impact on normal splicing. However, these predictions have yet to be confirmed by functional studies. The variant allele was found at a frequency of 1.6e-05 in 251042 control chromosomes. The available data on variant occurrences in the general population are insufficient to allow any conclusion about variant significance. To our knowledge, no occurrence of c.6497-12G>C in individuals affected with Marfan Syndrome and no experimental evidence demonstrating its impact on protein function have been reported. Two clinical diagnostic laboratories have submitted clinical-significance assessments for this variant to ClinVar after 2014 without evidence for independent evaluation. All laboratories classified the variant as likely benign. Based on the evidence outlined above, the variant was classified as likely benign.

Color Diagnostics, LLC DBA Color Health
Classification: Likely benign for Familial thoracic aortic aneurysm and aortic dissection. Last evaluated: 2019-07-19. Review status: criteria provided, single submitter. Criteria: ACMG Guidelines, 2015. Collection method: clinical testing. Allele origin: germline.

GeneDx
Classification: Likely benign. Last evaluated: 2016-07-21. Review status: criteria provided, single submitter. Criteria: GeneDx Variant Classification (06012015). Collection method: clinical testing. Allele origin: germline. Affected: yes.
Comment: This variant is considered likely benign or benign based on one or more of the following criteria: it is a conservative change, it occurs at a poorly conserved position in the protein, it is predicted to be benign by multiple in silico algorithms, and/or has population frequency not consistent with disease.